The following is an entry in ClinVar:

NM_001291088.2(WDR87):c.1972C>T (p.Arg658Trp)

Gene: WDR87 (WD repeat domain 87; minus strand). Cytogenetic location: 19q13.13.
Variant type: single nucleotide variant.
Coding change: c.1972C>T on transcript NM_001291088.2 (MANE Select); coding-DNA position 1972, C replaced by T.
Protein change: p.Arg658Trp; replaces arginine 658 with tryptophan.
Molecular consequence: missense variant.
Genome position (GRCh38, 1-based): chr19:37,893,731, G>A on the plus strand (C>T on the coding strand, the complement: WDR87 is on the minus strand). VCF-style: chr19-37893731-G-A. GRCh37 (hg19) VCF-style: chr19-38384371-G-A.
Other names: c.1855C>T, p.Arg619Trp (NM_031951.5); short protein forms R619W, R658W.
Identifiers: ClinVar variation 2377052 (VCV002377052.5), dbSNP rs529989970, ClinGen allele CA9408843.

ClinVar aggregate classification (germline): Uncertain significance. Review status: criteria provided, multiple submitters, no conflicts (2 of 4 stars). 2 submissions from 2 submitters: Uncertain significance (2). Last evaluated 2024-03-07.

Allele frequency attached by ClinVar (database versions not stated): ExAC 0.00009; gnomAD exomes 0.00012; 1000 Genomes Project 30x 0.00016; 1000 Genomes Project 0.00020; gnomAD 0.00027; TOPMed 0.00044.
gnomAD v4.1: 210 of 1,551,496 alleles (0.014%); highest among the groups gnomAD compares: African/African-American, 0.077%; no homozygotes.

Submissions (2):

Ambry Genetics
Classification: Uncertain significance. Last evaluated: 2024-03-07. Review status: criteria provided, single submitter. Criteria: Ambry Variant Classification Scheme 2023. Collection method: clinical testing. Allele origin: germline.

Labcorp Genetics (formerly Invitae), Labcorp
Classification: Uncertain significance. Last evaluated: 2023-03-19. Review status: criteria provided, single submitter. Criteria: Invitae Variant Classification Sherloc (09022015). Collection method: clinical testing. Allele origin: germline.
Comment: This sequence change replaces arginine, which is basic and polar, with tryptophan, which is neutral and slightly polar, at codon 619 of the WDR87 protein (p.Arg619Trp). This variant is present in population databases (rs529989970, gnomAD 0.1%), and has an allele count higher than expected for a pathogenic variant. This variant has not been reported in the literature in individuals affected with WDR87-related conditions. ClinVar contains an entry for this variant (Variation ID: 2377052). An algorithm developed to predict the effect of missense changes on protein structure and function (PolyPhen-2) suggests that this variant is likely to be disruptive. In summary, the available evidence is currently insufficient to determine the role of this variant in disease. Therefore, it has been classified as a Variant of Uncertain Significance.